The following is an entry in ClinVar:

NM_144687.4(NLRP12):c.8G>C (p.Arg3Pro)

Gene: NLRP12 (NLR family pyrin domain containing 12; minus strand). Cytogenetic location: 19q13.42.
Variant type: single nucleotide variant.
Coding change: c.8G>C on transcript NM_144687.4 (MANE Select); coding-DNA position 8, G replaced by C.
Protein change: p.Arg3Pro; replaces arginine 3 with proline.
Molecular consequence: missense variant.
Genome position (GRCh38, 1-based): chr19:53,824,167, C>G on the plus strand (G>C on the coding strand, the complement: NLRP12 is on the minus strand). VCF-style: chr19-53824167-C-G. GRCh37 (hg19) VCF-style: chr19-54327421-C-G.
Other names: c.8G>C, p.Arg3Pro (NM_001277126.2, NM_001277129.1); short protein forms R3P.
Identifiers: ClinVar variation 3725904 (VCV003725904.2).

ClinVar aggregate classification (germline): Uncertain significance (1 of 4 stars; one submission).

Conditions:
Familial cold autoinflammatory syndrome 2 (FCAS2). Identifiers: Orphanet 247868, MedGen C2673198, MONDO:0012724, OMIM 611762.

gnomAD v4.1: 2 of 1,613,796 alleles (0.00012%); highest among the groups gnomAD compares: Non-Finnish European, 0.00017%; no homozygotes.

Submission:

Labcorp Genetics (formerly Invitae), Labcorp
Classification: Uncertain significance for Familial cold autoinflammatory syndrome 2. Last evaluated: 2024-12-07. Review status: criteria provided, single submitter. Criteria: Invitae Variant Classification Sherloc (09022015). Collection method: clinical testing. Allele origin: germline.
Comment: This sequence change replaces arginine, which is basic and polar, with proline, which is neutral and non-polar, at codon 3 of the NLRP12 protein (p.Arg3Pro). This variant is not present in population databases (gnomAD no frequency). This variant has not been reported in the literature in individuals affected with NLRP12-related conditions. An algorithm developed to predict the effect of missense changes on protein structure and function outputs the following: PolyPhen-2: "Benign". The proline amino acid residue is found in multiple mammalian species, which suggests that this missense change does not adversely affect protein function. Algorithms developed to predict the effect of sequence changes on RNA splicing suggest that this variant may create or strengthen a splice site. In summary, the available evidence is currently insufficient to determine the role of this variant in disease. Therefore, it has been classified as a Variant of Uncertain Significance.